The following is an entry in ClinVar:

ClinVar aggregate classification (germline): Uncertain significance (1 of 4 stars; one submission).

Submission:

CeGaT Center for Human Genetics Tuebingen
Classification: Uncertain significance. Last evaluated: 2026-08-01. Review status: criteria provided, single submitter. Criteria: CeGaT Center For Human Genetics Tuebingen Variant Classification Criteria Version 2. Collection method: clinical testing. Allele origin: germline. Affected: yes. Observed: 1 variant allele.
Comment: KMT2A: PM2, PP3

NM_001197104.2(KMT2A):c.1916A>G (p.Lys639Arg)

Gene: KMT2A (lysine methyltransferase 2A; plus strand). Cytogenetic location: 11q23.3.
Variant type: single nucleotide variant.
Coding change: c.1916A>G on transcript NM_001197104.2 (MANE Select); coding-DNA position 1916, A replaced by G.
Protein change: p.Lys639Arg; replaces lysine 639 with arginine.
Molecular consequence: missense variant.
Genome position (GRCh38, 1-based): chr11:118,473,075, A>G. VCF-style: chr11-118473075-A-G. GRCh37 (hg19) VCF-style: chr11-118343790-A-G.
Other names: c.2015A>G, p.Lys672Arg (NM_001412597.1); c.1916A>G, p.Lys639Arg (NM_005933.4); short protein forms K639R, K672R.
Identifiers: ClinVar variation 5040658 (VCV005040658.1).